The following is an entry in ClinVar:

NM_000064.4(C3):c.1615G>C (p.Gly539Arg)

Gene: C3 (complement C3; minus strand). Cytogenetic location: 19p13.3.
Variant type: single nucleotide variant.
Coding change: c.1615G>C on transcript NM_000064.4 (MANE Select); coding-DNA position 1615, G replaced by C.
Protein change: p.Gly539Arg; replaces glycine 539 with arginine.
Molecular consequence: missense variant.
Genome position (GRCh38, 1-based): chr19:6,710,710, C>G on the plus strand (G>C on the coding strand, the complement: C3 is on the minus strand). VCF-style: chr19-6710710-C-G. GRCh37 (hg19) VCF-style: chr19-6710721-C-G.
Other names: short protein forms G539R.
Identifiers: ClinVar variation 1935506 (VCV001935506.5), dbSNP rs747427373, ClinGen allele CA9129395.

ClinVar aggregate classification (germline): Uncertain significance (1 of 4 stars; one submission).

Allele frequency attached by ClinVar (database versions not stated): ExAC 0.00001.
gnomAD v4.1: 14 of 1,613,730 alleles (0.00087%); highest among the groups gnomAD compares: Non-Finnish European, 0.001%; no homozygotes.

Submission:

Labcorp Genetics (formerly Invitae), Labcorp
Classification: Uncertain significance. Last evaluated: 2022-07-04. Review status: criteria provided, single submitter. Criteria: Invitae Variant Classification Sherloc (09022015). Collection method: clinical testing. Allele origin: germline.
Comment: In summary, the available evidence is currently insufficient to determine the role of this variant in disease. Therefore, it has been classified as a Variant of Uncertain Significance. Algorithms developed to predict the effect of missense changes on protein structure and function are either unavailable or do not agree on the potential impact of this missense change (SIFT: "Deleterious"; PolyPhen-2: "Benign"; Align-GVGD: "Class C0"). This variant has not been reported in the literature in individuals affected with C3-related conditions. This variant is present in population databases (rs747427373, gnomAD 0.002%). This sequence change replaces glycine, which is neutral and non-polar, with arginine, which is basic and polar, at codon 539 of the C3 protein (p.Gly539Arg).